The following is an entry in ClinVar:

ClinVar aggregate classification (germline): Uncertain significance. Review status: criteria provided, multiple submitters, no conflicts (2 of 4 stars). 2 submissions from 2 submitters: Uncertain significance (2). Last evaluated 2026-01-14.

Conditions:
Inborn genetic diseases. Identifiers: MedGen C0950123, MeSH D030342.
TBX22-related disorder. Also called: TBX22-related condition.

gnomAD v4.1: 44 of 1,208,695 alleles (0.0036%); highest among the groups gnomAD compares: Middle Eastern, 0.023%; no homozygotes.

Submissions (2):

PreventionGenetics, part of Exact Sciences
Classification: Uncertain significance for TBX22-related condition. Last evaluated: 2026-01-14. Review status: criteria provided, single submitter. Criteria: ACMG Guidelines, 2015. Collection method: clinical testing. Allele origin: germline.
Comment: The TBX22 c.91G>C variant is predicted to result in the amino acid substitution p.Glu31Gln. To our knowledge, this variant has not been reported in the literature. This variant is reported in 0.021% of alleles in individuals of South Asian descent in gnomAD, which is likely too common for an undocumented disease-causing variant. Although we suspect that this variant may be benign, at this time, the clinical significance of this variant is uncertain due to the absence of conclusive functional and genetic evidence.

Ambry Genetics
Classification: Uncertain significance for Inborn genetic diseases. Last evaluated: 2025-03-28. Review status: criteria provided, single submitter. Criteria: Ambry Variant Classification Scheme 2023. Collection method: clinical testing. Allele origin: germline.

NM_001109878.2(TBX22):c.91G>C (p.Glu31Gln)

Gene: TBX22 (T-box transcription factor 22). Cytogenetic location: Xq21.1.
Variant type: single nucleotide variant.
Coding change: c.91G>C on transcript NM_001109878.2 (MANE Select); coding-DNA position 91, G replaced by C.
Protein change: p.Glu31Gln; replaces glutamic acid 31 with glutamine.
Molecular consequence: missense variant. On other transcripts: 5 prime UTR variant (1).
Genome position (GRCh38, 1-based): chrX:80,022,360, G>C. VCF-style: chrX-80022360-G-C. GRCh37 (hg19) VCF-style: chrX-79277859-G-C.
Other names: c.91G>C, p.Glu31Gln (NM_016954.2); c.-266G>C (NM_001109879.2); short protein forms E31Q.
Identifiers: ClinVar variation 3966276 (VCV003966276.2).